The following is an entry in ClinVar:

NM_003718.5(CDK13):c.3291C>G (p.Asn1097Lys)

Gene: CDK13 (cyclin dependent kinase 13; plus strand). Cytogenetic location: 7p14.1.
Variant type: single nucleotide variant.
Coding change: c.3291C>G on transcript NM_003718.5 (MANE Select); coding-DNA position 3291, C replaced by G.
Protein change: p.Asn1097Lys; replaces asparagine 1097 with lysine.
Molecular consequence: missense variant. On other transcripts: intron variant (1).
Genome position (GRCh38, 1-based): chr7:40,092,840, C>G. VCF-style: chr7-40092840-C-G. GRCh37 (hg19) VCF-style: chr7-40132439-C-G.
Other names: c.3236-125C>G (NM_031267.3); short protein forms N1097K.
Identifiers: ClinVar variation 5002959 (VCV005002959.1).

ClinVar aggregate classification (germline): Uncertain significance (1 of 4 stars; one submission).

Conditions:
Congenital heart defects, dysmorphic facial features, and intellectual developmental disorder (CHDFIDD). Identifiers: Orphanet 646278, MedGen C4479246, MONDO:0044302, OMIM 617360.

Submission:

OLLIN Analises Genomicas, OLLIN
Classification: Uncertain significance for Congenital heart defects, dysmorphic facial features, and intellectual developmental disorder. Last evaluated: 2026-08-06. Review status: criteria provided, single submitter. Criteria: ACMG Guidelines 2015 PMID 25741868. Collection method: clinical testing. Allele origin: germline. Inheritance: Autosomal dominant inheritance.
Comment: This missense variant, located in exon 13 (of 14), is absent from gnomAD and has not been identified in the literature. However, it has been reported in ClinVar (accession VCV000992920.2). In silico analysis is inconclusive regarding the impact of this variant. According to the currently available evidence, this variant has been classified as uncertain significance (PM2_P).